The following is an entry in ClinVar:

NM_001318734.2(KLC2):c.935G>A (p.Arg312Gln)

Genes: KLC2 (kinesin light chain 2; plus strand), KLC2-AS1 (KLC2 antisense RNA 1; minus strand). Cytogenetic location: 11q13.2.
Variant type: single nucleotide variant.
Coding change: c.935G>A on transcript NM_001318734.2 (MANE Select); coding-DNA position 935, G replaced by A.
Protein change: p.Arg312Gln; replaces arginine 312 with glutamine.
Molecular consequence: missense variant.
Genome position (GRCh38, 1-based): chr11:66,263,945, G>A. VCF-style: chr11-66263945-G-A. GRCh37 (hg19) VCF-style: chr11-66031416-G-A.
Other names: c.704G>A, p.Arg235Gln (NM_001134774.2); c.935G>A, p.Arg312Gln (NM_001134775.2, NM_001134776.2, NM_022822.3); short protein forms R312Q, R235Q.
Identifiers: ClinVar variation 4779485 (VCV004779485.1).
Genomic context (GRCh38, chr11:66,263,945, plus strand): 5'-ATGGCAAGAGGGGCAAGTACAAGGAGGCTGAGCCATTGTGCAAGCGGGCACTGGAGATCC[G>A]GGAGAAGGTGGGAACAGGCAGGGCTGGGCAGGCTGGGGGTCTGGGAGGCAGGGGCCCGGG-3'
Protein context (NP_001305663.1, residues 302-322): EPLCKRALEI[Arg312Gln]EKVLGKFHPD

ClinVar aggregate classification (germline): Uncertain significance (1 of 4 stars; one submission).

gnomAD v4.1: 7 of 1,613,736 alleles (0.00043%); highest among the groups gnomAD compares: South Asian, 0.0022%; no homozygotes.

Submission:

Labcorp Genetics (formerly Invitae), Labcorp
Classification: Uncertain significance. Last evaluated: 2025-03-27. Review status: criteria provided, single submitter. Criteria: Invitae Variant Classification Sherloc (09022015). Collection method: clinical testing. Allele origin: germline.
Comment: This sequence change replaces arginine, which is basic and polar, with glutamine, which is neutral and polar, at codon 312 of the KLC2 protein (p.Arg312Gln). This variant is not present in population databases (gnomAD no frequency). This variant has not been reported in the literature in individuals affected with KLC2-related conditions. An algorithm developed to predict the effect of missense changes on protein structure and function (PolyPhen-2) suggests that this variant is likely to be disruptive. In summary, the available evidence is currently insufficient to determine the role of this variant in disease. Therefore, it has been classified as a Variant of Uncertain Significance.